The following is an entry in ClinVar:

ClinVar aggregate classification (germline): Uncertain significance (1 of 4 stars; one submission).

Conditions:
Juvenile polyposis syndrome (JPS). Identifiers: Orphanet 2929, MedGen C0345893, MONDO:0017380, OMIM 174900.

Submission:

Labcorp Genetics (formerly Invitae), Labcorp
Classification: Uncertain significance for Juvenile polyposis syndrome. Last evaluated: 2019-07-20. Review status: criteria provided, single submitter. Criteria: Invitae Variant Classification Sherloc (09022015). Collection method: clinical testing. Allele origin: germline.
Comment: In summary, the available evidence is currently insufficient to determine the role of this variant in disease. Therefore, it has been classified as a Variant of Uncertain Significance. Algorithms developed to predict the effect of missense changes on protein structure and function are either unavailable or do not agree on the potential impact of this missense change (SIFT: "Tolerated"; PolyPhen-2: "Probably Damaging"; Align-GVGD: "Class C0"). This variant has not been reported in the literature in individuals with BMPR1A-related conditions. This variant is not present in population databases (ExAC no frequency). This sequence change replaces glutamic acid with alanine at codon 502 of the BMPR1A protein (p.Glu502Ala). The glutamic acid residue is highly conserved and there is a moderate physicochemical difference between glutamic acid and alanine.

NM_004329.3(BMPR1A):c.1505A>C (p.Glu502Ala)

Gene: BMPR1A (bone morphogenetic protein receptor type 1A; plus strand). Cytogenetic location: 10q23.2.
Variant type: single nucleotide variant.
Coding change: c.1505A>C on transcript NM_004329.3 (MANE Select); coding-DNA position 1505, A replaced by C.
Protein change: p.Glu502Ala; replaces glutamic acid 502 with alanine.
Molecular consequence: missense variant.
Genome position (GRCh38, 1-based): chr10:86,923,625, A>C. VCF-style: chr10-86923625-A-C. GRCh37 (hg19) VCF-style: chr10-88683382-A-C.
Other names: short protein forms E502A.
Identifiers: ClinVar variation 948678 (VCV000948678.10), dbSNP rs112603659, ClinGen allele CA377463766.